The following is an entry in ClinVar:

ClinVar aggregate classification (germline): Pathogenic/Likely pathogenic. Review status: criteria provided, multiple submitters, no conflicts (2 of 4 stars). 5 submissions from 5 submitters: Pathogenic (3); Likely pathogenic (1). 1 of the submissions does not count toward it. Last evaluated 2023-11-06.

Conditions:
Glucocorticoid deficiency with achalasia (AAAS). Also called: Addisonian achalasia syndrome; Achalasia-addisonianism-alacrimia syndrome; Triple-A syndrome; Alacrima-achalasia-addisonianism; ACTH-resistant adrenal insufficiency, achalasia and alacrima; Glucocorticoid deficiency and achalasia. Identifiers: Orphanet 869, MedGen C0271742, MONDO:0009279, OMIM 231550.

Allele frequency attached by ClinVar (database versions not stated): gnomAD 0.00001 and 0.00002; TOPMed 0.00001; 1000 Genomes Project 30x 0.00031; 1000 Genomes Project 0.00040.
gnomAD v4.1: 6 of 1,614,144 alleles (0.00037%); highest among the groups gnomAD compares: African/African-American, 0.0027%; no homozygotes.

Submissions (5):

Labcorp Genetics (formerly Invitae), Labcorp
Classification: Pathogenic. Last evaluated: 2023-11-06. Review status: criteria provided, single submitter. Criteria: Invitae Variant Classification Sherloc (09022015). Collection method: clinical testing. Allele origin: germline.
Comment: This sequence change creates a premature translational stop signal (p.Arg312*) in the AAAS gene. It is expected to result in an absent or disrupted protein product. Loss-of-function variants in AAAS are known to be pathogenic (PMID: 11159947). This variant is present in population databases (rs121918547, gnomAD 0.01%). This premature translational stop signal has been observed in individual(s) with achalasia-addisonianism-alacrimia syndrome (PMID: 11062474, 29255950). ClinVar contains an entry for this variant (Variation ID: 5039). For these reasons, this variant has been classified as Pathogenic.

GeneDx
Classification: Likely pathogenic. Last evaluated: 2022-04-01. Review status: criteria provided, single submitter. Criteria: GeneDx Variant Classification Process June 2021. Collection method: clinical testing. Allele origin: germline. Affected: yes.
Comment: Nonsense variant predicted to result in protein truncation or nonsense mediated decay in a gene for which loss of function is a known mechanism of disease; This variant is associated with the following publications: (PMID: 29255950, 11062474)

Revvity Omics, Revvity
Classification: Pathogenic for Glucocorticoid deficiency with achalasia. Last evaluated: 2020-08-18. Review status: criteria provided, single submitter. Criteria: ACMG Guidelines, 2015. Collection method: clinical testing. Allele origin: germline.

Genomic Research Center, Shahid Beheshti University of Medical Sciences
Classification: Pathogenic for Glucocorticoid deficiency with achalasia. Last evaluated: 2017-12-03. Review status: criteria provided, single submitter. Criteria: ACMG Guidelines, 2015. Collection method: clinical testing. Allele origin: inherited. Affected: yes.

OMIM
Classification: Pathogenic for ACHALASIA-ADDISONIANISM-ALACRIMA SYNDROME. Last evaluated: 2000-11-01. Review status: no assertion criteria provided. Collection method: literature only. Allele origin: germline. Not counted in ClinVar's aggregate classification.

Literature cited by the submitters: PubMed 11159947 (cited by Labcorp Genetics (formerly Invitae), Labcorp); PubMed 11062474 (cited by Labcorp Genetics (formerly Invitae), Labcorp and OMIM); PubMed 29255950 (cited by Labcorp Genetics (formerly Invitae), Labcorp).

NM_015665.6(AAAS):c.934C>T (p.Arg312Ter)

Gene: AAAS (aladin WD repeat nucleoporin; minus strand). Cytogenetic location: 12q13.13.
Variant type: single nucleotide variant.
Coding change: c.934C>T on transcript NM_015665.6 (MANE Select); coding-DNA position 934, C replaced by T.
Protein change: p.Arg312Ter; replaces arginine 312 with a stop codon.
Molecular consequence: nonsense.
Genome position (GRCh38, 1-based): chr12:53,309,158, G>A on the plus strand (C>T on the coding strand, the complement: AAAS is on the minus strand). VCF-style: chr12-53309158-G-A. GRCh37 (hg19) VCF-style: chr12-53702942-G-A.
Other names: c.835C>T, p.Arg279Ter (NM_001173466.2); short protein forms R312*, R279*.
Identifiers: ClinVar variation 5039 (VCV000005039.14), dbSNP rs121918547, ClinGen allele CA117222.